The following is an entry in ClinVar:

ClinVar aggregate classification (germline): Uncertain significance (1 of 4 stars; one submission).

Conditions:
Congenital muscular dystrophy due to integrin alpha-7 deficiency. Also called: MYOPATHY, CONGENITAL, DUE TO INTEGRIN ALPHA-7 DEFICIENCY; Congenital muscular dystrophy with integrin alpha-7 deficiency; Muscular dystrophy, congenital, due to ITGA7 deficiency. Identifiers: Orphanet 34520, MedGen C2750786, MONDO:0013177, OMIM 613204.

Allele frequency attached by ClinVar (database versions not stated): gnomAD exomes below 0.00001; TOPMed below 0.00001.
gnomAD v4.1: 1 of 1,614,218 alleles (0.000062%); highest among the groups gnomAD compares: Non-Finnish European, 0.000085%; no homozygotes.

Submission:

Labcorp Genetics (formerly Invitae), Labcorp
Classification: Uncertain significance for Congenital muscular dystrophy due to integrin alpha-7 deficiency. Last evaluated: 2019-09-10. Review status: criteria provided, single submitter. Criteria: Invitae Variant Classification Sherloc (09022015). Collection method: clinical testing. Allele origin: germline.
Comment: In summary, the available evidence is currently insufficient to determine the role of this variant in disease. Therefore, it has been classified as a Variant of Uncertain Significance. Algorithms developed to predict the effect of missense changes on protein structure and function are either unavailable or do not agree on the potential impact of this missense change (SIFT: "Deleterious"; PolyPhen-2: "Possibly Damaging"; Align-GVGD: "Class C0"). This variant has not been reported in the literature in individuals with ITGA7-related conditions. This variant is not present in population databases (ExAC no frequency). This sequence change replaces aspartic acid with asparagine at codon 208 of the ITGA7 protein (p.Asp208Asn). The aspartic acid residue is highly conserved and there is a small physicochemical difference between aspartic acid and asparagine.

NM_002206.3(ITGA7):c.622G>A (p.Asp208Asn)

Gene: ITGA7 (integrin subunit alpha 7; minus strand). Cytogenetic location: 12q13.2.
Variant type: single nucleotide variant.
Coding change: c.622G>A on transcript NM_002206.3 (MANE Select); coding-DNA position 622, G replaced by A.
Protein change: p.Asp208Asn; replaces aspartic acid 208 with asparagine.
Molecular consequence: missense variant. On other transcripts: 5 prime UTR variant (1).
Genome position (GRCh38, 1-based): chr12:55,700,947, C>T on the plus strand (G>A on the coding strand, the complement: ITGA7 is on the minus strand). VCF-style: chr12-55700947-C-T. GRCh37 (hg19) VCF-style: chr12-56094731-C-T.
Other names: c.622G>A, p.Asp208Asn (NM_001144996.2, NM_001374465.1, NM_001410977.1 and 5 more transcripts); c.331G>A, p.Asp111Asn (NM_001144997.2); c.283G>A, p.Asp95Asn (NM_001367993.1, NM_001414035.1); c.-551G>A (NM_001367994.1); c.439G>A, p.Asp147Asn (NM_001414033.1); short protein forms D95N, D111N, D208N, D147N.
Identifiers: ClinVar variation 962261 (VCV000962261.9), dbSNP rs1168695605, ClinGen allele CA385192020.
Genomic context (GRCh38, chr12:55,700,947, plus strand): 5'-GGAGTGACTCACCCTTCCAATTATAGGTTCCTGGGGCCCCAAAGAGGAGGTAGTGGCTAT[C>T]AGGGGAGAAGGCGGCAGCTGTGCCCTGCTGGCAGAACCCAAATTGTTCATGGCCTTGGGG-3'
Protein context (NP_002197.2, residues 198-218): QQGTAAAFSP[Asp208Asn]SHYLLFGAPG